The following is an entry in ClinVar:

NM_000432.4(MYL2):c.7C>T (p.Pro3Ser)

Genes: MYL2 (myosin light chain 2; minus strand), LOC114827850 (VISTA enhancer hs2149; plus strand). Cytogenetic location: 12q24.11.
Variant type: single nucleotide variant.
Coding change: c.7C>T on transcript NM_000432.4 (MANE Select); coding-DNA position 7, C replaced by T.
Protein change: p.Pro3Ser; replaces proline 3 with serine.
Molecular consequence: missense variant.
Genome position (GRCh38, 1-based): chr12:110,919,190, G>A on the plus strand (C>T on the coding strand, the complement: MYL2 is on the minus strand). VCF-style: chr12-110919190-G-A. GRCh37 (hg19) VCF-style: chr12-111356994-G-A.
Other names: c.7C>T, p.Pro3Ser (NM_001406745.1, NM_001406746.1); c.-51C>T (NM_001406916.1); short protein forms P3S.
Identifiers: ClinVar variation 1761593 (VCV001761593.6), dbSNP rs763957786, ClinGen allele CA386700370.

ClinVar aggregate classification (germline): Uncertain significance. Review status: criteria provided, multiple submitters, no conflicts (2 of 4 stars). 3 submissions from 3 submitters: Uncertain significance (3). Last evaluated 2025-03-26.

Conditions:
Cardiovascular phenotype. Identifiers: MedGen CN230736.
Hypertrophic cardiomyopathy 10. Also called: CARDIOMYOPATHY, HYPERTROPHIC, MID-LEFT VENTRICULAR CHAMBER TYPE, 2; MYL2-Related Familial Hypertrophic Cardiomyopathy. Identifiers: MedGen C1834460, MONDO:0012112, OMIM 608758.
Hypertrophic cardiomyopathy. Also called: HYPERTROPHIC MYOCARDIOPATHY. Identifiers: Orphanet 217569, MedGen C0007194, MeSH D002312, MONDO:0005045, HP:0001639.

Allele frequency attached by ClinVar (database versions not stated): TOPMed 0.00001.

Submissions (3):

Labcorp Genetics (formerly Invitae), Labcorp
Classification: Uncertain significance for Hypertrophic cardiomyopathy 10. Last evaluated: 2025-03-26. Review status: criteria provided, single submitter. Criteria: Invitae Variant Classification Sherloc (09022015). Collection method: clinical testing. Allele origin: germline.
Comment: This sequence change replaces proline, which is neutral and non-polar, with serine, which is neutral and polar, at codon 3 of the MYL2 protein (p.Pro3Ser). This variant is not present in population databases (gnomAD no frequency). This variant has not been reported in the literature in individuals affected with MYL2-related conditions. ClinVar contains an entry for this variant (Variation ID: 1761593). Experimental studies and prediction algorithms are not available or were not evaluated, and the functional significance of this variant is currently unknown. In summary, the available evidence is currently insufficient to determine the role of this variant in disease. Therefore, it has been classified as a Variant of Uncertain Significance.

All of Us Research Program, National Institutes of Health
Classification: Uncertain significance for Hypertrophic cardiomyopathy. Last evaluated: 2024-05-17. Review status: criteria provided, single submitter. Criteria: ACMG Guidelines, 2015. Collection method: clinical testing. Allele origin: germline. Inheritance: Autosomal dominant inheritance. Observed: 1 variant allele, 1 heterozygote.
Comment: This study involves interpretation of variants in research participants for the purpose of population health screening. Participant phenotype was not available at the time of variant classification. Additional details can be found in publication PMID: 35346344, PMCID: PMC8962531

Ambry Genetics
Classification: Uncertain significance for Cardiovascular phenotype. Last evaluated: 2022-03-17. Review status: criteria provided, single submitter. Criteria: Ambry Variant Classification Scheme 2023. Collection method: clinical testing. Allele origin: germline.
Comment: The p.P3S variant (also known as c.7C>T), located in coding exon 2 of the MYL2 gene, results from a C to T substitution at nucleotide position 7. The proline at codon 3 is replaced by serine, an amino acid with similar properties. This amino acid position is conserved. In addition, the in silico prediction for this alteration is inconclusive. Since supporting evidence is limited at this time, the clinical significance of this alteration remains unclear.